The following is an entry in ClinVar:

NM_003114.5(SPAG1):c.*124C>G

Gene: SPAG1 (sperm associated antigen 1; plus strand). Cytogenetic location: 8q22.2.
Variant type: single nucleotide variant.
Coding change: c.*124C>G on transcript NM_003114.5 (MANE Select); 124 bases downstream of the stop codon, C replaced by G.
Molecular consequence: 3 prime UTR variant.
Genome position (GRCh38, 1-based): chr8:100,241,146, C>G. VCF-style: chr8-100241146-C-G. GRCh37 (hg19) VCF-style: chr8-101253374-C-G.
Other names: c.*124C>G (NM_001374321.1, NM_172218.3).
Identifiers: ClinVar variation 1707168 (VCV001707168.2), dbSNP rs137881115, ClinGen allele CA182370092.

ClinVar aggregate classification (germline): Likely benign (1 of 4 stars; one submission).

Allele frequency attached by ClinVar (database versions not stated): gnomAD exomes 0.00189; gnomAD 0.00480; TOPMed 0.00556; 1000 Genomes Project 30x 0.00609; 1000 Genomes Project 0.00619.
gnomAD v4.1: 2,059 of 803,760 alleles (0.26%); highest among the groups gnomAD compares: Middle Eastern, 1.3%; 11 homozygotes.

Submission:

GeneDx
Classification: Likely benign. Last evaluated: 2020-12-22. Review status: criteria provided, single submitter. Criteria: GeneDx Variant Classification Process June 2021. Collection method: clinical testing. Allele origin: germline. Affected: yes.
Comment: See Variant Classification Assertion Criteria.